The following is an entry in ClinVar:

ClinVar aggregate classification (germline): Benign/Likely benign. Review status: criteria provided, multiple submitters, no conflicts (2 of 4 stars). 5 submissions from 5 submitters: Benign (2); Likely benign (3). Last evaluated 2025-05-19.

Conditions:
Hereditary cancer-predisposing syndrome. Also called: Tumor predisposition; Neoplastic Syndromes, Hereditary; Hereditary Cancer Syndrome; Hereditary neoplastic syndrome. Identifiers: Orphanet 140162, MedGen C0027672, MeSH D009386, MONDO:0015356.
Tuberous sclerosis syndrome (TSC). Also called: Tuberous Sclerosis Complex; Tuberous sclerosis. Identifiers: Orphanet 805, MedGen C0041341, MONDO:0001734.
Tuberous sclerosis 2 (TSC2). Identifiers: Orphanet 805, MedGen C1860707, MONDO:0013199, OMIM 613254.

Allele frequency attached by ClinVar (database versions not stated): gnomAD 0.00001; ExAC 0.00004; 1000 Genomes Project 30x 0.00016; 1000 Genomes Project 0.00020.
gnomAD v4.1: 10 of 1,613,650 alleles (0.00062%); highest among the groups gnomAD compares: South Asian, 0.011%; no homozygotes.

Submissions (5):

Myriad Genetics, Inc.
Classification: Benign for Tuberous sclerosis 2. Last evaluated: 2025-05-19. Review status: criteria provided, single submitter. Criteria: Myriad Autosomal Dominant, Autosomal Recessive and X-Linked Classification Criteria (2023). Collection method: clinical testing. Allele origin: unknown.
Comment: This variant is considered benign. This variant is a silent/synonymous amino acid change and it is not expected to impact splicing.

Labcorp Genetics (formerly Invitae), Labcorp
Classification: Likely benign for Tuberous sclerosis 2. Last evaluated: 2023-12-02. Review status: criteria provided, single submitter. Criteria: Invitae Variant Classification Sherloc (09022015). Collection method: clinical testing. Allele origin: germline.

Color Diagnostics, LLC DBA Color Health
Classification: Likely benign for Tuberous sclerosis syndrome. Last evaluated: 2022-11-07. Review status: criteria provided, single submitter. Criteria: ACMG Guidelines, 2015. Collection method: clinical testing. Allele origin: germline.

Genome-Nilou Lab
Classification: Benign for Tuberous sclerosis 2. Last evaluated: 2021-11-07. Review status: criteria provided, single submitter. Criteria: ACMG Guidelines, 2015. Collection method: clinical testing. Allele origin: germline. Affected: no.

Ambry Genetics
Classification: Likely benign for Hereditary cancer-predisposing syndrome. Last evaluated: 2017-09-12. Review status: criteria provided, single submitter. Criteria: Ambry Variant Classification Scheme 2023. Collection method: clinical testing. Allele origin: germline.

NM_000548.5(TSC2):c.2301T>A (p.Val767=)

Gene: TSC2 (TSC complex subunit 2; plus strand). Cytogenetic location: 16p13.3.
Variant type: single nucleotide variant.
Coding change: c.2301T>A on transcript NM_000548.5 (MANE Select); coding-DNA position 2301, T replaced by A.
Protein change: p.Val767=; no amino-acid change (valine 767 retained).
Molecular consequence: synonymous variant.
Genome position (GRCh38, 1-based): chr16:2,072,929, T>A. VCF-style: chr16-2072929-T-A. GRCh37 (hg19) VCF-style: chr16-2122930-T-A.
Other names: c.2301T>A, p.Val767= (NM_001077183.3, NM_001114382.3, NM_001363528.2 and 3 more transcripts); c.2190T>A, p.Val730= (NM_001318827.2); c.2154T>A, p.Val718= (NM_001318829.2); c.1701T>A, p.Val567= (NM_001318831.2); c.2334T>A, p.Val778= (NM_001318832.2).
Identifiers: ClinVar variation 486685 (VCV000486685.17), dbSNP rs531724951, ClinGen allele CA038328.
Genomic context (GRCh38, chr16:2,072,929, plus strand): 5'-GGAGCGGCTCCGAGGCGCCCCAGAAGGCTTCTCCAGAACTGACTTGCACCTGGCCGTGGT[T>A]CCAGTGCTGACAGCATTAATCTCTTACCATAACTACCTGGACAAAACCAAACAGGTAGGA-3'
Protein context (NP_000539.2, residues 757-777): FSRTDLHLAV[Val767=]PVLTALISYH